The following is an entry in ClinVar:

NM_172362.3(KCNH1):c.2433C>T (p.His811=)

Gene: KCNH1 (potassium voltage-gated channel subfamily H member 1; minus strand). Cytogenetic location: 1q32.2.
Variant type: single nucleotide variant.
Coding change: c.2433C>T on transcript NM_172362.3 (MANE Select); coding-DNA position 2433, C replaced by T.
Protein change: p.His811=; no amino-acid change (histidine 811 retained).
Molecular consequence: synonymous variant.
Genome position (GRCh38, 1-based): chr1:210,683,818, G>A on the plus strand (C>T on the coding strand, the complement: KCNH1 is on the minus strand). VCF-style: chr1-210683818-G-A. GRCh37 (hg19) VCF-style: chr1-210857160-G-A.
Other names: c.2352C>T, p.His784= (NM_002238.4).
Identifiers: ClinVar variation 766912 (VCV000766912.12), dbSNP rs369345537, ClinGen allele CA1379664.

ClinVar aggregate classification (germline): Likely benign. Review status: criteria provided, multiple submitters, no conflicts (2 of 4 stars). 3 submissions from 3 submitters: Likely benign (2). 1 of the submissions does not count toward it. Last evaluated 2025-07-30.

Conditions:
KCNH1-related disorder. Also called: KCNH1-related disorders; KCNH1-related condition.

Allele frequency attached by ClinVar (database versions not stated): gnomAD exomes 0.00004 and 0.00002; ExAC 0.00002; TOPMed 0.00006; ESP Exome Variant Server 0.00015; gnomAD 0.00004 and 0.00003.
gnomAD v4.1: 31 of 1,613,778 alleles (0.0019%); highest among the groups gnomAD compares: African/African-American, 0.011%; no homozygotes.

Submissions (3):

Labcorp Genetics (formerly Invitae), Labcorp
Classification: Likely benign. Last evaluated: 2025-07-30. Review status: criteria provided, single submitter. Criteria: Invitae Variant Classification Sherloc (09022015). Collection method: clinical testing. Allele origin: germline.

GeneDx
Classification: Likely benign. Last evaluated: 2021-01-14. Review status: criteria provided, single submitter. Criteria: GeneDx Variant Classification Process June 2021. Collection method: clinical testing. Allele origin: germline. Affected: yes.

PreventionGenetics, part of Exact Sciences
Classification: Likely benign for KCNH1-related condition. Last evaluated: 2019-02-22. Review status: no assertion criteria provided. Collection method: clinical testing. Allele origin: germline. Not counted in ClinVar's aggregate classification.
Comment: This variant is classified as likely benign based on ACMG/AMP sequence variant interpretation guidelines (Richards et al. 2015 PMID: 25741868, with internal and published modifications).